The following is an entry in ClinVar:

NM_005732.4(RAD50):c.1634A>G (p.Lys545Arg)

Gene: RAD50 (RAD50 double strand break repair protein; plus strand). Cytogenetic location: 5q31.1.
Variant type: single nucleotide variant.
Coding change: c.1634A>G on transcript NM_005732.4 (MANE Select); coding-DNA position 1634, A replaced by G.
Protein change: p.Lys545Arg; replaces lysine 545 with arginine.
Molecular consequence: missense variant.
Genome position (GRCh38, 1-based): chr5:132,591,405, A>G. VCF-style: chr5-132591405-A-G. GRCh37 (hg19) VCF-style: chr5-131927097-A-G.
Other names: short protein forms K545R.
Identifiers: ClinVar variation 2451412 (VCV002451412.2), dbSNP rs2479642088, ClinGen allele CA360946213.
Genomic context (GRCh38, chr5:132,591,405, plus strand): 5'-TGGAGCAGTTAAACCATCATACAACAACACGTACCCAAATGGAGATGCTGACCAAAGACA[A>G]AGTATGATTTTTCTTTTTGTTCTAATTATACTGTCTGGTACTTAAAATAGCCTACCTTGC-3'
Protein context (NP_005723.2, residues 535-555): RTQMEMLTKD[Lys545Arg]ADKDEQIRKI

ClinVar aggregate classification (germline): Uncertain significance (1 of 4 stars; one submission).

Conditions:
Hereditary cancer-predisposing syndrome. Also called: Neoplastic Syndromes, Hereditary; Tumor predisposition; Hereditary neoplastic syndrome; Hereditary Cancer Syndrome. Identifiers: Orphanet 140162, MedGen C0027672, MeSH D009386, MONDO:0015356.

Submission:

Ambry Genetics
Classification: Uncertain significance for Hereditary cancer-predisposing syndrome. Last evaluated: 2022-12-18. Review status: criteria provided, single submitter. Criteria: Ambry Variant Classification Scheme 2023. Collection method: clinical testing. Allele origin: germline.
Comment: The p.K545R variant (also known as c.1634A>G), located in coding exon 10 of the RAD50 gene, results from an A to G substitution at nucleotide position 1634. The lysine at codon 545 is replaced by arginine, an amino acid with highly similar properties. This amino acid position is conserved. In addition, the in silico prediction for this alteration is inconclusive. Since supporting evidence is limited at this time, the clinical significance of this alteration remains unclear.